The following is an entry in ClinVar:

NM_013275.6(ANKRD11):c.3904G>A (p.Glu1302Lys)

Gene: ANKRD11 (ankyrin repeat domain containing 11; minus strand). Cytogenetic location: 16q24.3.
Variant type: single nucleotide variant.
Coding change: c.3904G>A on transcript NM_013275.6 (MANE Select); coding-DNA position 3904, G replaced by A.
Protein change: p.Glu1302Lys; replaces glutamic acid 1302 with lysine.
Molecular consequence: missense variant.
Genome position (GRCh38, 1-based): chr16:89,282,638, C>T on the plus strand (G>A on the coding strand, the complement: ANKRD11 is on the minus strand). VCF-style: chr16-89282638-C-T. GRCh37 (hg19) VCF-style: chr16-89349046-C-T.
Other names: c.3904G>A, p.Glu1302Lys (NM_001256182.2, NM_001256183.2); short protein forms E1302K.
Identifiers: ClinVar variation 1219251 (VCV001219251.3), dbSNP rs2034355002, ClinGen allele CA397158737.

ClinVar aggregate classification (germline): Uncertain significance (1 of 4 stars; one submission).

Allele frequency attached by ClinVar (database versions not stated): gnomAD exomes below 0.00001.
gnomAD v4.1: 1 of 1,614,118 alleles (0.000062%); highest among the groups gnomAD compares: Non-Finnish European, 0.000085%; no homozygotes.

Submission:

GeneDx
Classification: Uncertain significance. Last evaluated: 2020-03-25. Review status: criteria provided, single submitter. Criteria: GeneDx Variant Classification Process June 2021. Collection method: clinical testing. Allele origin: germline. Affected: yes.
Comment: Has not been previously published as pathogenic or benign to our knowledge; Not observed in large population cohorts (Lek et al., 2016); In silico analysis supports that this missense variant does not alter protein structure/function